The following is an entry in ClinVar:

ClinVar aggregate classification (germline): Likely benign (1 of 4 stars; one submission).

Allele frequency attached by ClinVar (database versions not stated): 1000 Genomes Project 30x 0.00016; 1000 Genomes Project 0.00020; gnomAD 0.00031; ExAC 0.00033; TOPMed 0.00036; ESP Exome Variant Server 0.00062.
gnomAD v4.1: 615 of 1,607,444 alleles (0.038%); highest among the groups gnomAD compares: Non-Finnish European, 0.049%; 1 homozygote.

Submission:

CeGaT Center for Human Genetics Tuebingen
Classification: Likely benign. Last evaluated: 2022-11-01. Review status: criteria provided, single submitter. Criteria: CeGaT Center For Human Genetics Tuebingen Variant Classification Criteria Version 2. Collection method: clinical testing. Allele origin: germline. Affected: yes. Observed: 1 variant allele.
Comment: PRDM15: BP4, BP7

NM_001040424.3(PRDM15):c.3306G>A (p.Thr1102=)

Gene: PRDM15 (PR/SET domain 15; minus strand). Cytogenetic location: 21q22.3.
Variant type: single nucleotide variant.
Coding change: c.3306G>A on transcript NM_001040424.3 (MANE Select); coding-DNA position 3306, G replaced by A.
Protein change: p.Thr1102=; no amino-acid change (threonine 1102 retained).
Molecular consequence: synonymous variant. On other transcripts: non-coding transcript variant (4).
Genome position (GRCh38, 1-based): chr21:41,801,360, C>T on the plus strand (G>A on the coding strand, the complement: PRDM15 is on the minus strand). VCF-style: chr21-41801360-C-T. GRCh37 (hg19) VCF-style: chr21-43221520-C-T.
Other names: c.3366G>A, p.Thr1122= (NM_001282934.2); c.3504G>A, p.Thr1168= (NM_022115.7); c.942G>A, p.Thr314= (NM_144771.1).
Identifiers: ClinVar variation 2652684 (VCV002652684.24), dbSNP rs200853879, ClinGen allele CA10035940.